The following is an entry in ClinVar:

ClinVar aggregate classification (germline): Uncertain significance (0 of 4 stars; one submission).

Conditions:
FLT4-related disorder. Also called: FLT4-related condition.

Submission:

PreventionGenetics, part of Exact Sciences
Classification: Uncertain significance for FLT4-related condition. Last evaluated: 2024-06-28. Review status: no assertion criteria provided. Collection method: clinical testing. Allele origin: germline.
Comment: The FLT4 c.2855A>G variant is predicted to result in the amino acid substitution p.Lys952Arg. To our knowledge, this variant has not been reported in the literature or in a large population database, indicating this variant is rare. At this time, the clinical significance of this variant is uncertain due to the absence of conclusive functional and genetic evidence.

NM_182925.5(FLT4):c.2855A>G (p.Lys952Arg)

Gene: FLT4 (fms related receptor tyrosine kinase 4; minus strand). Cytogenetic location: 5q35.3.
Variant type: single nucleotide variant.
Coding change: c.2855A>G on transcript NM_182925.5 (MANE Select); coding-DNA position 2855, A replaced by G.
Protein change: p.Lys952Arg; replaces lysine 952 with arginine.
Molecular consequence: missense variant.
Genome position (GRCh38, 1-based): chr5:180,618,916, T>C on the plus strand (A>G on the coding strand, the complement: FLT4 is on the minus strand). VCF-style: chr5-180618916-T-C. GRCh37 (hg19) VCF-style: chr5-180045916-T-C.
Other names: c.2855A>G, p.Lys952Arg (NM_001354989.2, NM_002020.5); short protein forms K952R.
Identifiers: ClinVar variation 3347202 (VCV003347202.1).